The following is an entry in ClinVar:

ClinVar aggregate classification (germline): Benign/Likely benign. Review status: criteria provided, multiple submitters, no conflicts (2 of 4 stars). 3 submissions from 3 submitters: Benign (1); Likely benign (2). Last evaluated 2025-08-24.

Conditions:
Hereditary cancer-predisposing syndrome. Also called: Hereditary neoplastic syndrome; Neoplastic Syndromes, Hereditary; Tumor predisposition; Hereditary Cancer Syndrome. Identifiers: Orphanet 140162, MedGen C0027672, MeSH D009386, MONDO:0015356.
Fanconi anemia complementation group J. Also called: BRIP1-Related Fanconi Anemia. Identifiers: Orphanet 84, MedGen C1836860, MONDO:0012187, OMIM 609054.
Familial cancer of breast. Also called: BREAST CANCER, FAMILIAL; hereditary breast carcinoma; Hereditary breast cancer. Identifiers: Orphanet 227535, MedGen C0346153, MONDO:0016419, OMIM 114480. Disease mechanism: loss of function.

Submissions (3):

Ambry Genetics
Classification: Likely benign for Hereditary cancer-predisposing syndrome. Last evaluated: 2025-08-24. Review status: criteria provided, single submitter. Criteria: Ambry Variant Classification Scheme 2023. Collection method: clinical testing. Allele origin: germline.

Myriad Genetics, Inc.
Classification: Benign for Familial cancer of breast. Last evaluated: 2024-08-29. Review status: criteria provided, single submitter. Criteria: Myriad Autosomal Dominant, Autosomal Recessive and X-Linked Classification Criteria (2023). Collection method: clinical testing. Allele origin: unknown.
Comment: This variant is considered benign. This variant is a silent/synonymous amino acid change and it is not expected to impact splicing.

Labcorp Genetics (formerly Invitae), Labcorp
Classification: Likely benign for Familial cancer of breast; Fanconi anemia complementation group J. Last evaluated: 2017-01-19. Review status: criteria provided, single submitter. Criteria: Invitae Variant Classification Sherloc (09022015). Collection method: clinical testing. Allele origin: germline.

NM_032043.3(BRIP1):c.1686T>C (p.Ile562=)

Gene: BRIP1 (BRCA1 interacting DNA helicase 1; minus strand). Cytogenetic location: 17q23.2.
Variant type: single nucleotide variant.
Coding change: c.1686T>C on transcript NM_032043.3 (MANE Select); coding-DNA position 1686, T replaced by C.
Protein change: p.Ile562=; no amino-acid change (isoleucine 562 retained).
Molecular consequence: synonymous variant.
Genome position (GRCh38, 1-based): chr17:61,780,948, A>G on the plus strand (T>C on the coding strand, the complement: BRIP1 is on the minus strand). VCF-style: chr17-61780948-A-G. GRCh37 (hg19) VCF-style: chr17-59858309-A-G.
Identifiers: ClinVar variation 461079 (VCV000461079.11), dbSNP rs1374464175, ClinGen allele CA501150565.